The following is an entry in ClinVar:

NM_017617.5(NOTCH1):c.6065A>G (p.Asn2022Ser)

Genes: NOTCH1 (notch receptor 1; minus strand), LOC126860794 (BRD4-independent group 4 enhancer GRCh37_chr9:139392592-139393791; plus strand). Cytogenetic location: 9q34.3.
Variant type: single nucleotide variant.
Coding change: c.6065A>G on transcript NM_017617.5 (MANE Select); coding-DNA position 6065, A replaced by G.
Protein change: p.Asn2022Ser; replaces asparagine 2022 with serine.
Molecular consequence: missense variant.
Genome position (GRCh38, 1-based): chr9:136,499,129, T>C on the plus strand (A>G on the coding strand, the complement: NOTCH1 is on the minus strand). VCF-style: chr9-136499129-T-C. GRCh37 (hg19) VCF-style: chr9-139393581-T-C.
Other names: c.6065A>G (NM_017617.3); short protein forms N2022S.
Identifiers: ClinVar variation 2157960 (VCV002157960.7), dbSNP rs369621601, ClinGen allele CA5340050.
Genomic context (GRCh38, chr9:136,499,129, plus strand): 5'-GGTCCCGCCCCACGACAGAGCAGCCGTGCCCCCGTGGGCTCACCCAGGTCATCTACGGCG[T>C]TGACGTCGGCGTGTGAGTTGATGAGGTCCTCCAGCATGCCCTCCACGGCCAGGCGGGCAG-3'
Protein context (NP_060087.3, residues 2012-2032): EDLINSHADV[Asn2022Ser]AVDDLGKSAL

ClinVar aggregate classification (germline): Conflicting classifications of pathogenicity. Review status: criteria provided, conflicting classifications (1 of 4 stars). 3 submissions from 3 submitters: Uncertain significance (2); Likely benign (1). Last evaluated 2025-05-27.

Conditions:
Familial thoracic aortic aneurysm and aortic dissection (TAAD). Also called: Thoracic aortic aneurysms and dissections. Identifiers: Orphanet 91387, MedGen C4707243, MONDO:0019625.
Adams-Oliver syndrome 5 (AOS5). Identifiers: Orphanet 974, MedGen C4014970, MONDO:0014459, OMIM 616028.

Allele frequency attached by ClinVar (database versions not stated): ExAC 0.00001; TOPMed 0.00001; gnomAD 0.00002; gnomAD exomes 0.00003; ESP Exome Variant Server 0.00008.

Submissions (3):

Labcorp Genetics (formerly Invitae), Labcorp
Classification: Likely benign for Adams-Oliver syndrome 5. Last evaluated: 2025-05-27. Review status: criteria provided, single submitter. Criteria: Invitae Variant Classification Sherloc (09022015). Collection method: clinical testing. Allele origin: germline.

GeneDx
Classification: Uncertain significance. Last evaluated: 2024-08-09. Review status: criteria provided, single submitter. Criteria: GeneDx Variant Classification Process June 2021. Collection method: clinical testing. Allele origin: germline. Affected: yes.
Comment: Not observed at significant frequency in large population cohorts (gnomAD); In silico analysis supports that this missense variant has a deleterious effect on protein structure/function; Has not been previously published as pathogenic or benign to our knowledge

Ambry Genetics
Classification: Uncertain significance for Familial thoracic aortic aneurysm and aortic dissection. Last evaluated: 2022-12-06. Review status: criteria provided, single submitter. Criteria: Ambry Variant Classification Scheme 2023. Collection method: clinical testing. Allele origin: germline.
Comment: The p.N2022S variant (also known as c.6065A>G), located in coding exon 32 of the NOTCH1 gene, results from an A to G substitution at nucleotide position 6065. The asparagine at codon 2022 is replaced by serine, an amino acid with highly similar properties. This amino acid position is conserved. In addition, this alteration is predicted to be tolerated by in silico analysis. Since supporting evidence is limited at this time, the clinical significance of this alteration remains unclear.